The following is an entry in ClinVar:

ClinVar aggregate classification (germline): Uncertain significance (1 of 4 stars; one submission).

Conditions:
Charcot-Marie-Tooth disease type 4. Also called: Charcot-Marie-Tooth disease, type IV; Charcot-Marie-Tooth, Type 4. Identifiers: Orphanet 64749, MedGen C4082197, MONDO:0018995.

Submission:

Labcorp Genetics (formerly Invitae), Labcorp
Classification: Uncertain significance for Charcot-Marie-Tooth disease type 4. Last evaluated: 2020-03-05. Review status: criteria provided, single submitter. Criteria: Invitae Variant Classification Sherloc (09022015). Collection method: clinical testing. Allele origin: germline.
Comment: In summary, the available evidence is currently insufficient to determine the role of this variant in disease. Therefore, it has been classified as a Variant of Uncertain Significance. Algorithms developed to predict the effect of sequence changes on RNA splicing suggest that this variant may create or strengthen a splice site, but this prediction has not been confirmed by published transcriptional studies. Algorithms developed to predict the effect of missense changes on protein structure and function are either unavailable or do not agree on the potential impact of this missense change (SIFT: "Tolerated"; PolyPhen-2: "Possibly Damaging"; Align-GVGD: "Class C0"). This variant has not been reported in the literature in individuals with PRX-related conditions. The frequency data for this variant in the population databases is considered unreliable, as metrics indicate insufficient coverage at this position in the ExAC database. This sequence change replaces glutamic acid with lysine at codon 296 of the PRX protein (p.Glu296Lys). The glutamic acid residue is moderately conserved and there is a small physicochemical difference between glutamic acid and lysine.

NM_181882.3(PRX):c.886G>A (p.Glu296Lys)

Gene: PRX (periaxin; minus strand). Cytogenetic location: 19q13.2.
Variant type: single nucleotide variant.
Coding change: c.886G>A on transcript NM_181882.3 (MANE Select); coding-DNA position 886, G replaced by A.
Protein change: p.Glu296Lys; replaces glutamic acid 296 with lysine.
Molecular consequence: missense variant. On other transcripts: 3 prime UTR variant (1).
Genome position (GRCh38, 1-based): chr19:40,397,466, C>T on the plus strand (G>A on the coding strand, the complement: PRX is on the minus strand). VCF-style: chr19-40397466-C-T. GRCh37 (hg19) VCF-style: chr19-40903373-C-T.
Other names: c.*1091G>A (NM_020956.2); short protein forms E296K.
Identifiers: ClinVar variation 855036 (VCV000855036.9), dbSNP rs2079451469, ClinGen allele CA405899492.
Genomic context (GRCh38, chr19:40,397,466, plus strand): 5'-CCCGGGTCTCTAGGCAGGGAAGTGTGGGCAGAGTGGGCAGTGAGGGCAAGGCAGGCAGCT[C>T]CACCTGGGGGACCTGGATTCCCACGGCTGGGGCCTCCACAGCAGGCGGAGCCGGGGCTCC-3'
Protein context (NP_870998.2, residues 286-306): PAVGIQVPQV[Glu296Lys]LPALPSLPTL